The following is an entry in ClinVar:

NM_153026.3(PRICKLE1):c.251G>A (p.Arg84Gln)

Genes: PRICKLE1 (prickle planar cell polarity protein 1; minus strand), LOC130007700 (ATAC-STARR-seq lymphoblastoid active region 6212; plus strand). Cytogenetic location: 12q12.
Variant type: single nucleotide variant.
Coding change: c.251G>A on transcript NM_153026.3 (MANE Select); coding-DNA position 251, G replaced by A.
Protein change: p.Arg84Gln; replaces arginine 84 with glutamine.
Molecular consequence: missense variant.
Genome position (GRCh38, 1-based): chr12:42,469,583, C>T on the plus strand (G>A on the coding strand, the complement: PRICKLE1 is on the minus strand). VCF-style: chr12-42469583-C-T. GRCh37 (hg19) VCF-style: chr12-42863385-C-T.
Other names: c.251G>A, p.Arg84Gln (NM_001144881.2, NM_001144882.2, NM_001144883.2); c.251G>A (NM_153026.2); short protein forms R84Q.
Identifiers: ClinVar variation 1043807 (VCV001043807.9), dbSNP rs766439768, ClinGen allele CA6519942.

ClinVar aggregate classification (germline): Uncertain significance. Review status: criteria provided, multiple submitters, no conflicts (2 of 4 stars). 2 submissions from 2 submitters: Uncertain significance (2). Last evaluated 2024-10-25.

Conditions:
Epilepsy, progressive myoclonic, 1B. Also called: PME. Identifiers: Orphanet 308, MedGen C2676254, MONDO:0012904, OMIM 612437.

Allele frequency attached by ClinVar (database versions not stated): gnomAD exomes below 0.00001 and 0.00001; ExAC 0.00001; gnomAD 0.00001; TOPMed 0.00002.
gnomAD v4.1: 16 of 1,613,954 alleles (0.00099%); highest among the groups gnomAD compares: South Asian, 0.0033%; no homozygotes.

Submissions (2):

Ambry Genetics
Classification: Uncertain significance. Last evaluated: 2024-10-25. Review status: criteria provided, single submitter. Criteria: Ambry Variant Classification Scheme 2023. Collection method: clinical testing. Allele origin: germline.

Labcorp Genetics (formerly Invitae), Labcorp
Classification: Uncertain significance for Epilepsy, progressive myoclonic, 1B. Last evaluated: 2022-08-09. Review status: criteria provided, single submitter. Criteria: Invitae Variant Classification Sherloc (09022015). Collection method: clinical testing. Allele origin: germline.
Comment: This sequence change replaces arginine, which is basic and polar, with glutamine, which is neutral and polar, at codon 84 of the PRICKLE1 protein (p.Arg84Gln). This variant is present in population databases (rs766439768, gnomAD 0.003%). This missense change has been observed in individual(s) with clinical features of progressive myoclonic epilepsy (PMID: 31035234). ClinVar contains an entry for this variant (Variation ID: 1043807). Algorithms developed to predict the effect of missense changes on protein structure and function are either unavailable or do not agree on the potential impact of this missense change (SIFT: "Deleterious"; PolyPhen-2: "Benign"; Align-GVGD: "Class C35"). Algorithms developed to predict the effect of sequence changes on RNA splicing suggest that this variant may create or strengthen a splice site. In summary, the available evidence is currently insufficient to determine the role of this variant in disease. Therefore, it has been classified as a Variant of Uncertain Significance.

Literature cited by the submitters: PubMed 31035234 (cited by Labcorp Genetics (formerly Invitae), Labcorp).